The following is an entry in ClinVar:

NM_000090.4(COL3A1):c.3202-36C>T

Gene: COL3A1 (collagen type III alpha 1 chain; plus strand). Cytogenetic location: 2q32.2.
Variant type: single nucleotide variant.
Coding change: c.3202-36C>T on transcript NM_000090.4 (MANE Select); 36 bases into the intron before coding-DNA position 3202, C replaced by T.
Molecular consequence: intron variant.
Genome position (GRCh38, 1-based): chr2:189,006,901, C>T. VCF-style: chr2-189006901-C-T. GRCh37 (hg19) VCF-style: chr2-189871627-C-T.
Identifiers: ClinVar variation 254967 (VCV000254967.4), dbSNP rs10194304, ClinGen allele CA075935.

ClinVar aggregate classification (germline): Benign. Review status: criteria provided, multiple submitters, no conflicts (2 of 4 stars). 4 submissions from 4 submitters: Benign (4). Last evaluated 2026-09-21.

Allele frequency attached by ClinVar (database versions not stated): gnomAD exomes 0.03873 and 0.03016; gnomAD 0.09128 and 0.08627; ESP Exome Variant Server 0.09526; 1000 Genomes Project 30x 0.09760; ExAC 0.04404; 1000 Genomes Project 0.09285; TOPMed 0.09341.
gnomAD v4.1: 57,340 of 1,605,714 alleles (3.6%); highest among the groups gnomAD compares: African/African-American, 24%; 2,690 homozygotes.

Submissions (4):

Molecular Diagnostic Laboratory for Inherited Cardiovascular Disease, Montreal Heart Institute
Classification: Benign. Last evaluated: 2026-09-21. Review status: criteria provided, single submitter. Criteria: ACMG Guidelines, 2015. Collection method: clinical testing. Allele origin: germline. Affected: no.
Comment: BA1

GeneDx
Classification: Benign. Last evaluated: 2018-06-18. Review status: criteria provided, single submitter. Criteria: GeneDx Variant Classification (06012015). Collection method: clinical testing. Allele origin: germline. Affected: yes.
Comment: This variant is considered likely benign or benign based on one or more of the following criteria: it is a conservative change, it occurs at a poorly conserved position in the protein, it is predicted to be benign by multiple in silico algorithms, and/or has population frequency not consistent with disease.

Breakthrough Genomics
Classification: Benign. Review status: criteria provided, single submitter. Criteria: ACMG Guidelines, 2015. Collection method: not provided. Allele origin: germline. Inheritance: Autosomal recessive inheritance. Affected: yes.

PreventionGenetics, part of Exact Sciences
Classification: Benign. Review status: criteria provided, single submitter. Criteria: ACMG Guidelines, 2015. Collection method: clinical testing. Allele origin: germline.